The following is an entry in ClinVar:

NM_000051.4(ATM):c.4449dup (p.Met1484fs)

Gene: ATM (ATM serine/threonine kinase; plus strand). Cytogenetic location: 11q22.3.
Variant type: Duplication.
Coding change: c.4449dup on transcript NM_000051.4 (MANE Select); coding-DNA position 4449, one base duplicated (C; older notation c.4449dupC).
Protein change: p.Met1484fs; shifts the reading frame from methionine 1484.
Molecular consequence: frameshift variant.
Genome position (GRCh38, 1-based): chr11:108,292,631, C duplicated. VCF-style (leftmost placement, unchanged base first): chr11-108292630-T-TC. GRCh37 (hg19) VCF-style: chr11-108163357-T-TC.
Other names: c.4449dup, p.Met1484fs (NM_001351834.2); short protein forms M1484fs.
Identifiers: ClinVar variation 4812993 (VCV004812993.1).
Genomic context (GRCh38, chr11:108,292,630, plus strand): 5'-TTTTCCAGAACTTACTGGTTGTTGTTGTTTTTTTTTCTCCCTATATTAGGCCTTCTTGTA[T>TC]CATGGATGTGTCATTACGTAGCTTCTCCCTTTGTTGTGACTTATTAAGTCAGGTTTGCCA-3'

ClinVar aggregate classification (germline): Pathogenic (1 of 4 stars; one submission).

Conditions:
Familial cancer of breast. Also called: Hereditary breast cancer; BREAST CANCER, FAMILIAL; hereditary breast carcinoma. Identifiers: Orphanet 227535, MedGen C0346153, MONDO:0016419, OMIM 114480. Disease mechanism: loss of function.

Submission:

Myriad Genetics, Inc.
Classification: Pathogenic for Familial cancer of breast. Last evaluated: 2025-11-17. Review status: criteria provided, single submitter. Criteria: Myriad Autosomal Dominant, Autosomal Recessive and X-Linked Classification Criteria (2023). Collection method: clinical testing. Allele origin: unknown.
Comment: This variant is considered pathogenic. This variant creates a frameshift predicted to result in premature protein truncation.